The following is an entry in ClinVar:

ClinVar aggregate classification (germline): Benign. Review status: criteria provided, multiple submitters, no conflicts (2 of 4 stars). 2 submissions from 2 submitters: Benign (2). Last evaluated 2018-06-14.

Allele frequency attached by ClinVar (database versions not stated): gnomAD exomes 0.49977; 1000 Genomes Project 0.51118; 1000 Genomes Project 30x 0.51437; gnomAD 0.51534 and 0.51732; TOPMed 0.51711.
gnomAD v4.1: 421,116 of 835,734 alleles (50%); highest among the groups gnomAD compares: African/African-American, 55%; 106,829 homozygotes.

Submissions (2):

GeneDx
Classification: Benign. Last evaluated: 2018-06-14. Review status: criteria provided, single submitter. Criteria: GeneDx Variant Classification (06012015). Collection method: clinical testing. Allele origin: germline. Affected: yes.
Comment: This variant is considered likely benign or benign based on one or more of the following criteria: it is a conservative change, it occurs at a poorly conserved position in the protein, it is predicted to be benign by multiple in silico algorithms, and/or has population frequency not consistent with disease.

Breakthrough Genomics
Classification: Benign. Review status: criteria provided, single submitter. Criteria: ACMG Guidelines, 2015. Collection method: not provided. Allele origin: germline. Inheritance: Autosomal recessive inheritance. Affected: yes.

NM_182943.3(PLOD2):c.778-62A>G

Gene: PLOD2 (procollagen-lysine,2-oxoglutarate 5-dioxygenase 2; minus strand). Cytogenetic location: 3q24.
Variant type: single nucleotide variant.
Coding change: c.778-62A>G on transcript NM_182943.3 (MANE Select); 62 bases into the intron before coding-DNA position 778, A replaced by G.
Molecular consequence: intron variant.
Genome position (GRCh38, 1-based): chr3:146,091,963, T>C on the plus strand (A>G on the coding strand, the complement: PLOD2 is on the minus strand). VCF-style: chr3-146091963-T-C. GRCh37 (hg19) VCF-style: chr3-145809750-T-C.
Other names: c.778-62A>G (NM_000935.3).
Identifiers: ClinVar variation 674925 (VCV000674925.2), dbSNP rs3792341, ClinGen allele CA11597003.
Genomic context (GRCh38, chr3:146,091,963, plus strand): 5'-TTGTAAATGAAGGAAAAGGTTATTAATGAAAGCAGGCCTCTCATCGGTGTGGTTTCATTC[T>C]ATAATCATCTAATTTAAAAGCATGTTTTCTGCAGCAGGTATATTCCTTTAGTAATTCTAC-3'